The following is an entry in ClinVar:

ClinVar aggregate classification (germline): Uncertain significance (1 of 4 stars; one submission).

Submission:

Labcorp Genetics (formerly Invitae), Labcorp
Classification: Uncertain significance. Last evaluated: 2024-07-01. Review status: criteria provided, single submitter. Criteria: Invitae Variant Classification Sherloc (09022015). Collection method: clinical testing. Allele origin: germline.
Comment: This sequence change replaces lysine, which is basic and polar, with arginine, which is basic and polar, at codon 103 of the NSMCE3 protein (p.Lys103Arg). This variant is not present in population databases (gnomAD no frequency). This variant has not been reported in the literature in individuals affected with NSMCE3-related conditions. Advanced modeling of protein sequence and biophysical properties (such as structural, functional, and spatial information, amino acid conservation, physicochemical variation, residue mobility, and thermodynamic stability) performed at Invitae indicates that this missense variant is not expected to disrupt NSMCE3 protein function with a negative predictive value of 80%. In summary, the available evidence is currently insufficient to determine the role of this variant in disease. Therefore, it has been classified as a Variant of Uncertain Significance.

NM_138704.4(NSMCE3):c.308A>G (p.Lys103Arg)

Genes: ENTREP2 (endosomal transmembrane epsin interactor 2; minus strand), NSMCE3 (NSE3 component of SMC5/6 complex; minus strand). Cytogenetic location: 15q13.1.
Variant type: single nucleotide variant.
Coding change: c.308A>G on transcript NM_138704.4 (MANE Select); coding-DNA position 308, A replaced by G.
Protein change: p.Lys103Arg; replaces lysine 103 with arginine.
Molecular consequence: missense variant. On other transcripts: intron variant (5).
Genome position (GRCh38, 1-based): chr15:29,269,398, T>C on the plus strand (A>G on the coding strand, the complement: NSMCE3 is on the minus strand). VCF-style: chr15-29269398-T-C. GRCh37 (hg19) VCF-style: chr15-29561602-T-C.
Other names: c.-12-16920A>G (NM_001387217.1, NM_001387215.1, NM_001387216.1); c.277-16920A>G (NM_001387214.1, NM_015307.2); short protein forms K103R.
Identifiers: ClinVar variation 2756412 (VCV002756412.3), dbSNP rs766058423, ClinGen allele CA391484510.